The following is an entry in ClinVar:

ClinVar aggregate classification (germline): Uncertain significance. Review status: criteria provided, multiple submitters, no conflicts (2 of 4 stars). 2 submissions from 2 submitters: Uncertain significance (2). Last evaluated 2025-04-23.

Conditions:
Inborn genetic diseases. Identifiers: MedGen C0950123, MeSH D030342.
Leukocyte adhesion deficiency 1 (LAD1). Also called: LEUKOCYTE ADHESION DEFICIENCY, TYPE I; LAD 1; Lymphocyte function-associated antigen 1 immunodeficiency; LFA 1 immunodeficiency. Identifiers: Orphanet 2968, Orphanet 99842, MedGen C0398738, MONDO:0007293, OMIM 116920.

Allele frequency attached by ClinVar (database versions not stated): TOPMed 0.00002; gnomAD 0.00003; gnomAD exomes 0.00004; ExAC 0.00006.
gnomAD v4.1: 66 of 1,612,728 alleles (0.0041%); highest among the groups gnomAD compares: South Asian, 0.046%; no homozygotes.

Submissions (2):

Labcorp Genetics (formerly Invitae), Labcorp
Classification: Uncertain significance for Leukocyte adhesion deficiency 1. Last evaluated: 2025-04-23. Review status: criteria provided, single submitter. Criteria: Invitae Variant Classification Sherloc (09022015). Collection method: clinical testing. Allele origin: germline.
Comment: This sequence change replaces arginine, which is basic and polar, with tryptophan, which is neutral and slightly polar, at codon 595 of the ITGB2 protein (p.Arg595Trp). This variant is present in population databases (rs756086891, gnomAD 0.03%). This variant has not been reported in the literature in individuals affected with ITGB2-related conditions. ClinVar contains an entry for this variant (Variation ID: 2591613). Invitae Evidence Modeling of protein sequence and biophysical properties (such as structural, functional, and spatial information, amino acid conservation, physicochemical variation, residue mobility, and thermodynamic stability) has been performed for this missense variant. However, the output from this modeling did not meet the statistical confidence thresholds required to predict the impact of this variant on ITGB2 protein function. In summary, the available evidence is currently insufficient to determine the role of this variant in disease. Therefore, it has been classified as a Variant of Uncertain Significance.

Ambry Genetics
Classification: Uncertain significance for Inborn genetic diseases. Last evaluated: 2023-07-19. Review status: criteria provided, single submitter. Criteria: Ambry Variant Classification Scheme 2023. Collection method: clinical testing. Allele origin: germline.

NM_000211.5(ITGB2):c.1783C>T (p.Arg595Trp)

Gene: ITGB2 (integrin subunit beta 2; minus strand). Cytogenetic location: 21q22.3.
Variant type: single nucleotide variant.
Coding change: c.1783C>T on transcript NM_000211.5 (MANE Select); coding-DNA position 1783, C replaced by T.
Protein change: p.Arg595Trp; replaces arginine 595 with tryptophan.
Molecular consequence: missense variant.
Genome position (GRCh38, 1-based): chr21:44,889,370, G>A on the plus strand (C>T on the coding strand, the complement: ITGB2 is on the minus strand). VCF-style: chr21-44889370-G-A. GRCh37 (hg19) VCF-style: chr21-46309285-G-A.
Other names: c.1783C>T, p.Arg595Trp (NM_001127491.3); c.1576C>T, p.Arg526Trp (NM_001303238.2); short protein forms R526W, R595W.
Identifiers: ClinVar variation 2591613 (VCV002591613.3), dbSNP rs756086891, ClinGen allele CA10062708.
Genomic context (GRCh38, chr21:44,889,370, plus strand): 5'-ACTCCTGGCACAGAGGCAGCTGGTAGCCTGAATGGCACTCGCATACGTTGCAGCGGCACC[G>A]GCCACGACCACTACACTCAACACGCCGCGGGTTCAGGCAGCCCTCAGTGGTCCTCTCGCA-3'
Protein context (NP_000202.3, residues 585-605): PRRVECSGRG[Arg595Trp]CRCNVCECHS